The following is an entry in ClinVar:

ClinVar aggregate classification (germline): Benign (1 of 4 stars; one submission).

Conditions:
Familial adenomatous polyposis 1 (FAP1). Also called: POLYPOSIS, ADENOMATOUS INTESTINAL; FAMILIAL ADENOMATOUS POLYPOSIS 1, ATTENUATED. Identifiers: MedGen C2713442, MONDO:0021056, OMIM 175100. Disease mechanism: loss of function.

Submission:

Myriad Genetics, Inc.
Classification: Benign for Familial adenomatous polyposis 1. Last evaluated: 2024-03-27. Review status: criteria provided, single submitter. Criteria: Myriad Autosomal Dominant, Autosomal Recessive and X-Linked Classification Criteria (2023). Collection method: clinical testing. Allele origin: unknown.
Comment: This variant is considered benign. This variant is a silent/synonymous amino acid change and it is not expected to impact splicing.

NM_000038.6(APC):c.4746C>G (p.Ala1582=)

Gene: APC (APC regulator of Wnt signaling pathway; plus strand). Cytogenetic location: 5q22.2.
Variant type: single nucleotide variant.
Coding change: c.4746C>G on transcript NM_000038.6 (MANE Select); coding-DNA position 4746, C replaced by G.
Protein change: p.Ala1582=; no amino-acid change (alanine 1582 retained).
Molecular consequence: synonymous variant. On other transcripts: non-coding transcript variant (2).
Genome position (GRCh38, 1-based): chr5:112,840,340, C>G. VCF-style: chr5-112840340-C-G. GRCh37 (hg19) VCF-style: chr5-112176037-C-G.
Other names: c.4746C>G, p.Ala1582= (NM_001127510.3, NM_001354895.2, NM_001407450.1); c.4692C>G, p.Ala1564= (NM_001127511.3); c.4800C>G, p.Ala1600= (NM_001354896.2, NM_001407447.1, NM_001407448.1 and 1 more transcripts); c.4776C>G, p.Ala1592= (NM_001354897.2); c.4671C>G, p.Ala1557= (NM_001354898.2); c.4662C>G, p.Ala1554= (NM_001354899.2); c.4623C>G, p.Ala1541= (NM_001354900.2); c.4569C>G, p.Ala1523= (NM_001354901.2, NM_001407453.1); and 11 more.
Identifiers: ClinVar variation 3148440 (VCV003148440.1), dbSNP rs2149922717, ClinGen allele CA446206709.